The following is an entry in ClinVar:

ClinVar aggregate classification (germline): Likely benign. Review status: criteria provided, multiple submitters, no conflicts (2 of 4 stars). 4 submissions from 4 submitters: Likely benign (3). 1 of the submissions does not count toward it. Last evaluated 2026-01-24.

Conditions:
FRAS1-related disorder. Also called: FRAS1-related condition.
Fraser syndrome 1 (FRASRS1). Also called: CRYPTOPHTHALMOS WITH OTHER MALFORMATIONS. Identifiers: Orphanet 2052, MedGen C4551480, MONDO:0054737, OMIM 219000.

Allele frequency attached by ClinVar (database versions not stated): gnomAD exomes 0.00003 and 0.00005; ExAC 0.00007; ESP Exome Variant Server 0.00008; gnomAD 0.00018 and 0.00021; TOPMed 0.00019.
gnomAD v4.1: 96 of 1,567,746 alleles (0.0061%); highest among the groups gnomAD compares: African/African-American, 0.05%; no homozygotes.

Submissions (4):

Labcorp Genetics (formerly Invitae), Labcorp
Classification: Likely benign. Last evaluated: 2026-01-24. Review status: criteria provided, single submitter. Criteria: Invitae Variant Classification Sherloc (09022015). Collection method: clinical testing. Allele origin: germline.

Blueprint Genetics
Classification: Likely benign. Last evaluated: 2024-11-25. Review status: criteria provided, single submitter. Criteria: ACMG Guidelines, 2015. Collection method: clinical testing. Allele origin: germline.

Fulgent Genetics
Classification: Likely benign for Fraser syndrome 1. Last evaluated: 2021-12-14. Review status: criteria provided, single submitter. Criteria: ACMG Guidelines, 2015. Collection method: clinical testing. Allele origin: unknown.

PreventionGenetics, part of Exact Sciences
Classification: Likely benign for FRAS1-related condition. Last evaluated: 2019-02-18. Review status: no assertion criteria provided. Collection method: clinical testing. Allele origin: germline. Not counted in ClinVar's aggregate classification.
Comment: This variant is classified as likely benign based on ACMG/AMP sequence variant interpretation guidelines (Richards et al. 2015 PMID: 25741868, with internal and published modifications).

NM_025074.7(FRAS1):c.5214C>T (p.Tyr1738=)

Gene: FRAS1 (Fraser extracellular matrix complex subunit 1; plus strand). Cytogenetic location: 4q21.21.
Variant type: single nucleotide variant.
Coding change: c.5214C>T on transcript NM_025074.7 (MANE Select); coding-DNA position 5214, C replaced by T.
Protein change: p.Tyr1738=; no amino-acid change (tyrosine 1738 retained).
Molecular consequence: synonymous variant.
Genome position (GRCh38, 1-based): chr4:78,432,601, C>T. VCF-style: chr4-78432601-C-T. GRCh37 (hg19) VCF-style: chr4-79353755-C-T.
Other names: c.5214C>T, p.Tyr1738= (NM_001166133.2).
Identifiers: ClinVar variation 766792 (VCV000766792.13), dbSNP rs368304108, ClinGen allele CA2977445.